The following is an entry in ClinVar:

ClinVar aggregate classification (germline): Uncertain significance (1 of 4 stars; one submission).

Submission:

GeneDx
Classification: Uncertain significance. Last evaluated: 2025-03-07. Review status: criteria provided, single submitter. Criteria: GeneDx Variant Classification Process June 2021. Collection method: clinical testing. Allele origin: germline. Affected: yes.
Comment: Not observed at significant frequency in large population cohorts (gnomAD); Frameshift variant predicted to result in protein truncation or nonsense mediated decay in a gene or region of a gene for which loss of function is not a well-established mechanism of disease; Has not been previously published as pathogenic or benign to our knowledge

NM_145331.3(MAP3K7):c.898dup (p.Tyr300fs)

Gene: MAP3K7 (mitogen-activated protein kinase kinase kinase 7; minus strand). Cytogenetic location: 6q15.
Variant type: Duplication.
Coding change: c.898dup on transcript NM_145331.3 (MANE Select); coding-DNA position 898, one base duplicated (T; older notation c.898dupT).
Protein change: p.Tyr300fs; shifts the reading frame from tyrosine 300.
Molecular consequence: frameshift variant.
Genome position (GRCh38, 1-based): chr6:90,550,519, A duplicated on the plus strand (T on the coding strand, the reverse complement: MAP3K7 is on the minus strand). VCF-style (leftmost placement, unchanged base first): chr6-90550518-T-TA. GRCh37 (hg19) VCF-style: chr6-91260237-T-TA.
Other names: c.898dup, p.Tyr300fs (NM_003188.4, NM_145332.3, NM_145333.3); short protein forms Y300fs.
Identifiers: ClinVar variation 4083021 (VCV004083021.1).